The following is an entry in ClinVar:

ClinVar aggregate classification (germline): Pathogenic (1 of 4 stars; one submission).

Submission:

Labcorp Genetics (formerly Invitae), Labcorp
Classification: Pathogenic. Last evaluated: 2023-01-25. Review status: criteria provided, single submitter. Criteria: Invitae Variant Classification Sherloc (09022015). Collection method: clinical testing. Allele origin: unknown.
Comment: This variant disrupts a region of the ACAN protein in which other variant(s) (p.Asp2381Asn) have been determined to be pathogenic (PMID: 19110214). This suggests that this is a clinically significant region of the protein, and that variants that disrupt it are likely to be disease-causing. For these reasons, this variant has been classified as Pathogenic. This variant has not been reported in the literature in individuals affected with ACAN-related conditions. This variant is a gross deletion of the genomic region encompassing exon(s) 5-18 of the ACAN gene, which includes the termination codon. This deletion extends beyond the assayed region for this gene and therefore may encompass additional genes. While this deletion is not anticipated to lead to nonsense mediated decay, it is expected to alter mRNA translation or result in a truncated protein product.

Literature cited by the submitters: PubMed 19110214.

NC_000015.9:g.(?_89384951)_(89417712_?)del

Gene: ACAN (aggrecan; plus strand). Cytogenetic location: 15q26.1.
Variant type: Deletion.
Identifiers: ClinVar variation 3243881 (VCV003243881.1).